The following is an entry in ClinVar:

NM_000430.4(PAFAH1B1):c.938C>T (p.Ser313Phe)

Gene: PAFAH1B1 (platelet activating factor acetylhydrolase 1b regulatory subunit 1; plus strand). Cytogenetic location: 17p13.3.
Variant type: single nucleotide variant.
Coding change: c.938C>T on transcript NM_000430.4 (MANE Select); coding-DNA position 938, C replaced by T.
Protein change: p.Ser313Phe; replaces serine 313 with phenylalanine.
Molecular consequence: missense variant.
Genome position (GRCh38, 1-based): chr17:2,676,542, C>T. VCF-style: chr17-2676542-C-T. GRCh37 (hg19) VCF-style: chr17-2579836-C-T.
Other names: short protein forms S313F.
Identifiers: ClinVar variation 159552 (VCV000159552.8), dbSNP rs587784293, ClinGen allele CA272455.

ClinVar aggregate classification (germline): Likely pathogenic. Review status: criteria provided, multiple submitters, no conflicts (2 of 4 stars). 2 submissions from 2 submitters: Likely pathogenic (2). Last evaluated 2024-06-27.

Conditions:
Lissencephaly due to LIS1 mutation (LIS1). Also called: PAFAH1B1-Associated Lissencephaly/Subcortical Band Heterotopia; PAFAH1B1-Related Lissencephaly/Subcortical Band Heterotopia; Isolated Lissencephaly Sequence. Identifiers: Orphanet 95232, MedGen C4749301, MONDO:0011830, OMIM 607432.

Submissions (2):

Institute of Human Genetics, University of Leipzig Medical Center
Classification: Likely pathogenic for Lissencephaly due to LIS1 mutation. Last evaluated: 2024-06-27. Review status: criteria provided, single submitter. Criteria: ACMG Guidelines, 2015. Collection method: clinical testing. Allele origin: unknown. Inheritance: Autosomal dominant inheritance. Affected: yes.
Comment: Criteria applied: PM1,PM2,PS4_SUP,PP2,PP3

Genetic Services Laboratory, University of Chicago
Classification: Likely pathogenic for Lissencephaly 1. Last evaluated: 2013-02-08. Review status: criteria provided, single submitter. Criteria: ACMG Guidelines, 2007. Collection method: clinical testing. Allele origin: germline. Inheritance: Autosomal dominant inheritance. Affected: yes.